The following is an entry in ClinVar:

NM_014244.5(ADAMTS2):c.71_82del (p.Pro24_Leu27del)

Gene: ADAMTS2 (ADAM metallopeptidase with thrombospondin type 1 motif 2; minus strand). Cytogenetic location: 5q35.3.
Variant type: Deletion.
Coding change: c.71_82del on transcript NM_014244.5 (MANE Select); coding-DNA positions 71 to 82, 12 bases deleted (CGCCGCCGCTCC).
Protein change: p.Pro24_Leu27del.
Molecular consequence: inframe deletion.
Genome position (GRCh38, 1-based): chr5:179,345,247-179,345,258, GGAGCGGCGGCG deleted on the plus strand (CGCCGCCGCTCC on the coding strand, the reverse complement: ADAMTS2 is on the minus strand); deleting any 12 consecutive bases within chr5:179,345,247-179,345,259 gives the same sequence; the c. name uses the placement nearest the transcript's 3' end. VCF-style (leftmost placement, unchanged base first): chr5-179345246-AGGAGCGGCGGCG-A. GRCh37 (hg19) VCF-style: chr5-178772247-AGGAGCGGCGGCG-A.
Other names: c.71_82del (NM_014244.4); c.71_82del, p.Pro24_Leu27del (NM_021599.4).
Identifiers: ClinVar variation 2175904 (VCV002175904.2), dbSNP rs1757910947, ClinGen allele CA2497134226.

ClinVar aggregate classification (germline): Uncertain significance. Review status: criteria provided, single submitter (1 of 4 stars). 2 submissions from 2 submitters: Uncertain significance (1). 1 of the submissions does not count toward it. Last evaluated 2022-07-08.

Conditions:
Ehlers-Danlos syndrome, dermatosparaxis type. Also called: Dermatosparaxis; Ehlers-Danlos syndrome, type VII, autosomal recessive; EDS VIIC. Identifiers: Orphanet 1901, MedGen C2700425, MONDO:0009161, OMIM 225410.

Submissions (2):

Labcorp Genetics (formerly Invitae), Labcorp
Classification: Uncertain significance for Ehlers-Danlos syndrome, dermatosparaxis type. Last evaluated: 2022-07-08. Review status: criteria provided, single submitter. Criteria: Invitae Variant Classification Sherloc (09022015). Collection method: clinical testing. Allele origin: germline.
Comment: This variant, c.71_82del, results in the deletion of 4 amino acid(s) of the ADAMTS2 protein (p.Pro24_Leu27del), but otherwise preserves the integrity of the reading frame. This variant is not present in population databases (gnomAD no frequency). This variant has not been reported in the literature in individuals affected with ADAMTS2-related conditions. Experimental studies and prediction algorithms are not available or were not evaluated, and the functional significance of this variant is currently unknown. In summary, the available evidence is currently insufficient to determine the role of this variant in disease. Therefore, it has been classified as a Variant of Uncertain Significance.

Natera, Inc.
Classification: Uncertain significance for Ehlers-Danlos syndrome type VIIC. Last evaluated: 2025-03-22. Review status: no assertion criteria provided. Collection method: clinical testing. Allele origin: germline. Not counted in ClinVar's aggregate classification.